The following is an entry in ClinVar:

NM_000038.6(APC):c.7427G>T (p.Arg2476Met)

Gene: APC (APC regulator of Wnt signaling pathway; plus strand). Cytogenetic location: 5q22.2.
Variant type: single nucleotide variant.
Coding change: c.7427G>T on transcript NM_000038.6 (MANE Select); coding-DNA position 7427, G replaced by T.
Protein change: p.Arg2476Met; replaces arginine 2476 with methionine.
Molecular consequence: missense variant. On other transcripts: non-coding transcript variant (2).
Genome position (GRCh38, 1-based): chr5:112,843,021, G>T. VCF-style: chr5-112843021-G-T. GRCh37 (hg19) VCF-style: chr5-112178718-G-T.
Other names: c.7427G>T, p.Arg2476Met (NM_001127510.3, NM_001354895.2, NM_001407450.1); c.7373G>T, p.Arg2458Met (NM_001127511.3); c.7481G>T, p.Arg2494Met (NM_001354896.2, NM_001407447.1, NM_001407448.1 and 1 more transcripts); c.7457G>T, p.Arg2486Met (NM_001354897.2); c.7352G>T, p.Arg2451Met (NM_001354898.2); c.7343G>T, p.Arg2448Met (NM_001354899.2); c.7304G>T, p.Arg2435Met (NM_001354900.2); c.7250G>T, p.Arg2417Met (NM_001354901.2, NM_001407453.1); and 11 more; short protein forms R2092M, R2448M, R2316M, R2347M, R2385M, R2417M, R2469M, R2393M.
Identifiers: ClinVar variation 3411155 (VCV003411155.1).

ClinVar aggregate classification (germline): Uncertain significance (1 of 4 stars; one submission).

Conditions:
Hereditary cancer-predisposing syndrome. Also called: Neoplastic Syndromes, Hereditary; Tumor predisposition; Hereditary Cancer Syndrome; Hereditary neoplastic syndrome. Identifiers: Orphanet 140162, MedGen C0027672, MeSH D009386, MONDO:0015356.

Submission:

Ambry Genetics
Classification: Uncertain significance for Hereditary cancer-predisposing syndrome. Last evaluated: 2024-09-16. Review status: criteria provided, single submitter. Criteria: Ambry Variant Classification Scheme 2023. Collection method: clinical testing. Allele origin: germline.
Comment: The p.R2476M variant (also known as c.7427G>T), located in coding exon 15 of the APC gene, results from a G to T substitution at nucleotide position 7427. The arginine at codon 2476 is replaced by methionine, an amino acid with similar properties. This amino acid position is conserved. In addition, in silico predictors for this gene do not accurately predict pathogenicity. Based on the available evidence, the clinical significance of this variant remains unclear.